The following is an entry in ClinVar:

ClinVar aggregate classification (germline): Uncertain significance (1 of 4 stars; one submission).

Allele frequency attached by ClinVar (database versions not stated): TOPMed below 0.00001.

Submission:

Labcorp Genetics (formerly Invitae), Labcorp
Classification: Uncertain significance. Last evaluated: 2023-10-25. Review status: criteria provided, single submitter. Criteria: Invitae Variant Classification Sherloc (09022015). Collection method: clinical testing. Allele origin: germline.
Comment: This sequence change affects codon 119 of the AXL mRNA. It is a 'silent' change, meaning that it does not change the encoded amino acid sequence of the AXL protein. This variant is not present in population databases (gnomAD no frequency). This variant has not been reported in the literature in individuals affected with AXL-related conditions. Algorithms developed to predict the effect of sequence changes on RNA splicing suggest that this variant may disrupt the consensus splice site. In summary, the available evidence is currently insufficient to determine the role of this variant in disease. Therefore, it has been classified as a Variant of Uncertain Significance.

NM_021913.5(AXL):c.357G>A (p.Val119=)

Gene: AXL (AXL receptor tyrosine kinase; plus strand). Cytogenetic location: 19q13.2.
Variant type: single nucleotide variant.
Coding change: c.357G>A on transcript NM_021913.5 (MANE Select); coding-DNA position 357, G replaced by A.
Protein change: p.Val119=; no amino-acid change (valine 119 retained).
Molecular consequence: synonymous variant.
Genome position (GRCh38, 1-based): chr19:41,221,194, G>A. VCF-style: chr19-41221194-G-A. GRCh37 (hg19) VCF-style: chr19-41727099-G-A.
Other names: c.357G>A, p.Val119= (NM_001699.6).
Identifiers: ClinVar variation 2841867 (VCV002841867.3), dbSNP rs927126175, ClinGen allele CA308518199.